The following is an entry in ClinVar:

ClinVar aggregate classification (germline): Pathogenic (1 of 4 stars; one submission).

Submission:

GeneDx
Classification: Pathogenic. Last evaluated: 2018-04-04. Review status: criteria provided, single submitter. Criteria: GeneDx Variant Classification (06012015). Collection method: clinical testing. Allele origin: germline. Affected: yes.
Comment: The c.2406delG variant in the MYT1L gene has not been reported previously as a pathogenic variant nor as a benign variant, to our knowledge. The c.2406delG variant causes a frameshift starting with codon Methionine 802, changes this amino acid to an Isoleucine residue, and creates a premature Stop codon at position 18 of the new reading frame, denoted p.Met802IlefsX18. This variant is predicted to cause loss of normal protein function either through protein truncation or nonsense-mediated mRNA decay. The c.2406delG variant is not observed in large population cohorts (Lek et al., 2016). We interpret c.2406delG as a pathogenic variant.

NM_001303052.2(MYT1L):c.2412del (p.Met804fs)

Gene: MYT1L (myelin transcription factor 1 like; minus strand). Cytogenetic location: 2p25.3.
Variant type: Deletion.
Coding change: c.2412del on transcript NM_001303052.2 (MANE Select); coding-DNA position 2412, one base deleted (G; older notation c.2412delG).
Protein change: p.Met804fs; shifts the reading frame from methionine 804.
Molecular consequence: frameshift variant.
Genome position (GRCh38, 1-based): chr2:1,889,349, C deleted on the plus strand (G on the coding strand, the reverse complement: MYT1L is on the minus strand). VCF-style (leftmost placement, unchanged base first): chr2-1889348-TC-T. GRCh37 (hg19) VCF-style: chr2-1893120-TC-T.
Other names: c.2412del, p.Met804fs (NM_001329844.2, NM_001329845.1, NM_001329851.3); c.2406del, p.Met802fs (NM_001329846.3, NM_001329847.2, NM_001329848.1 and 3 more transcripts); short protein forms M804fs, M802fs.
Identifiers: ClinVar variation 524075 (VCV000524075.2), dbSNP rs1553297209, ClinGen allele CA658795669.